The following is an entry in ClinVar:

ClinVar aggregate classification (germline): Uncertain significance. Review status: criteria provided, multiple submitters, no conflicts (2 of 4 stars). 3 submissions from 3 submitters: Uncertain significance (3). Last evaluated 2020-03-10.

Conditions:
Hereditary cancer-predisposing syndrome. Also called: Tumor predisposition; Hereditary Cancer Syndrome; Hereditary neoplastic syndrome; Neoplastic Syndromes, Hereditary. Identifiers: Orphanet 140162, MedGen C0027672, MeSH D009386, MONDO:0015356.
Hereditary breast ovarian cancer syndrome. Also called: Breast and ovarian cancer; Hereditary breast and ovarian cancer; Hereditary breast and/or ovarian cancer syndrome; BRCA1- and BRCA2-Associated Hereditary Breast and Ovarian Cancer; Hereditary breast and ovarian cancer syndrome (HBOC); Hereditary breast and ovarian cancer syndrome. Identifiers: Orphanet 145, MedGen C0677776, MeSH D061325, MONDO:0003582. Disease mechanism: loss of function.

Submissions (3):

Labcorp Genetics (formerly Invitae), Labcorp
Classification: Uncertain significance for Hereditary breast ovarian cancer syndrome. Last evaluated: 2020-03-10. Review status: criteria provided, single submitter. Criteria: Invitae Variant Classification Sherloc (09022015). Collection method: clinical testing. Allele origin: germline.
Comment: This sequence change replaces serine with alanine at codon 1566 of the BRCA1 protein (p.Ser1566Ala). The serine residue is moderately conserved and there is a moderate physicochemical difference between serine and alanine. This variant is not present in population databases (ExAC no frequency). This variant has not been reported in the literature in individuals with BRCA1-related conditions. ClinVar contains an entry for this variant (Variation ID: 182163). Algorithms developed to predict the effect of missense changes on protein structure and function (SIFT, PolyPhen-2, Align-GVGD) all suggest that this variant is likely to be tolerated, but these predictions have not been confirmed by published functional studies and their clinical significance is uncertain. Algorithms developed to predict the effect of sequence changes on RNA splicing suggest that this variant may create or strengthen a splice site, but this prediction has not been confirmed by published transcriptional studies. In summary, the available evidence is currently insufficient to determine the role of this variant in disease. Therefore, it has been classified as a Variant of Uncertain Significance.

Ambry Genetics
Classification: Uncertain significance for Hereditary cancer-predisposing syndrome. Last evaluated: 2019-07-16. Review status: criteria provided, single submitter. Criteria: Ambry Variant Classification Scheme 2023. Collection method: clinical testing. Allele origin: germline.
Comment: The p.S1566A variant (also known as c.4696T>G), located in coding exon 14 of the BRCA1 gene, results from a T to G substitution at nucleotide position 4696. The serine at codon 1566 is replaced by alanine, an amino acid with similar properties. This amino acid position is highly conserved in available vertebrate species. In addition, the in silico prediction for this alteration is inconclusive. Since supporting evidence is limited at this time, the clinical significance of this alteration remains unclear.

GeneDx
Classification: Uncertain significance. Last evaluated: 2014-06-05. Review status: criteria provided, single submitter. Criteria: GeneDx Variant Classification (06012015). Collection method: clinical testing. Allele origin: germline. Affected: yes.
Comment: This variant is denoted BRCA1 c.4696T>G at the cDNA level, p.Ser1566Ala (S1566A) at the protein level, and results in the change of a Serine to an Alanine (TCT>GCT). This variant has not, to our knowledge, been published in the literature as pathogenic or benign. BRCA1 Ser1566Ala was not observed in approximately 6,500 individuals of European and African American ancestry in the NHLBI Exome Sequencing Project, indicating it is not a common benign variant in these populations. Since Serine and Alanine differ in polarity, charge, size or other properties, this is considered a non-conservative amino acid substitution. BRCA1 Ser1566Ala occurs at a position that is well conserved across species and is not located in a known functional domain. In addition, in silico analyses are inconsistent regarding the effect this variant may have on protein structure and function. Based on currently available information, it is unclear whether BRCA1 Ser1566Ala is pathogenic or benign. We consider it to be a variant of uncertain significance.

NM_007294.4(BRCA1):c.4696T>G (p.Ser1566Ala)

Gene: BRCA1 (BRCA1 DNA repair associated; minus strand). Cytogenetic location: 17q21.31.
Variant type: single nucleotide variant.
Coding change: c.4696T>G on transcript NM_007294.4 (MANE Select); coding-DNA position 4696, T replaced by G.
Protein change: p.Ser1566Ala; replaces serine 1566 with alanine.
Molecular consequence: missense variant. On other transcripts: non-coding transcript variant (1).
Genome position (GRCh38, 1-based): chr17:43,071,218, A>C on the plus strand (T>G on the coding strand, the complement: BRCA1 is on the minus strand). VCF-style: chr17-43071218-A-C. GRCh37 (hg19) VCF-style: chr17-41223235-A-C.
Other names: p.S1566A:TCT>GCT; c.4483T>G, p.Ser1495Ala (NM_001407571.1, NM_001407894.1, NM_001407895.1 and 12 more transcripts); c.4762T>G, p.Ser1588Ala (NM_001407581.1, NM_001407582.1); c.4759T>G, p.Ser1587Ala (NM_001407583.1, NM_001407585.1, NM_001407587.1 and 1 more transcripts); c.4756T>G, p.Ser1586Ala (NM_001407590.1, NM_001407591.1); c.4696T>G, p.Ser1566Ala (NM_001407593.1, NM_001407594.1, NM_001407596.1 and 8 more transcripts); c.4693T>G, p.Ser1565Ala (NM_001407610.1, NM_001407611.1, NM_001407612.1 and 17 more transcripts); c.4690T>G, p.Ser1564Ala (NM_001407627.1, NM_001407628.1, NM_001407629.1 and 14 more transcripts); and 71 more; short protein forms S1566A, S462A, S1587A, S1519A, S1439A, S1455A, S1476A, S1495A.
Identifiers: ClinVar variation 182163 (VCV000182163.16), dbSNP rs730881493, ClinGen allele CA002982.